The following is an entry in ClinVar:

NM_025145.7(CFAP43):c.3930T>C (p.Phe1310=)

Gene: CFAP43 (cilia and flagella associated protein 43; minus strand). Cytogenetic location: 10q25.1.
Variant type: single nucleotide variant.
Coding change: c.3930T>C on transcript NM_025145.7 (MANE Select); coding-DNA position 3930, T replaced by C.
Protein change: p.Phe1310=; no amino-acid change (phenylalanine 1310 retained).
Molecular consequence: synonymous variant.
Genome position (GRCh38, 1-based): chr10:104,145,490, A>G on the plus strand (T>C on the coding strand, the complement: CFAP43 is on the minus strand). VCF-style: chr10-104145490-A-G. GRCh37 (hg19) VCF-style: chr10-105905248-A-G.
Identifiers: ClinVar variation 3042624 (VCV003042624.2), dbSNP rs550124982, ClinGen allele CA5680133.

ClinVar aggregate classification (germline): Likely benign (0 of 4 stars; one submission).

Conditions:
CFAP43-related disorder. Also called: CFAP43-related condition.

Allele frequency attached by ClinVar (database versions not stated): TOPMed 0.00005; gnomAD 0.00032; ExAC 0.00071; 1000 Genomes Project 0.00180; 1000 Genomes Project 30x 0.00219.
gnomAD v4.1: 545 of 1,596,308 alleles (0.034%); highest among the groups gnomAD compares: South Asian, 0.53%; 5 homozygotes.

Submission:

PreventionGenetics, part of Exact Sciences
Classification: Likely benign for CFAP43-related condition. Last evaluated: 2019-07-01. Review status: no assertion criteria provided. Collection method: clinical testing. Allele origin: germline.
Comment: This variant is classified as likely benign based on ACMG/AMP sequence variant interpretation guidelines (Richards et al. 2015 PMID: 25741868, with internal and published modifications).